The following is an entry in ClinVar:

ClinVar aggregate classification (germline): Likely benign. Review status: criteria provided, multiple submitters, no conflicts (2 of 4 stars). 3 submissions from 3 submitters: Likely benign (3). Last evaluated 2025-07-01.

Conditions:
Inborn genetic diseases. Identifiers: MedGen C0950123, MeSH D030342.
Childhood apraxia of speech (SPCH1). Also called: SPEECH AND LANGUAGE DISORDER WITH OROFACIAL DYSPRAXIA; FOXP2-Related Speech and Language Disorder; Speech language disorder; DEVELOPMENTAL VERBAL DYSPRAXIA. Identifiers: Orphanet 209908, MedGen C0750927, MONDO:0011184, OMIM 602081.

Allele frequency attached by ClinVar (database versions not stated): ExAC 0.00002; gnomAD 0.00005; gnomAD exomes 0.00006; TOPMed 0.00006; ESP Exome Variant Server 0.00008.
gnomAD v4.1: 171 of 1,613,504 alleles (0.011%); highest among the groups gnomAD compares: Non-Finnish European, 0.013%; no homozygotes.

Submissions (3):

CeGaT Center for Human Genetics Tuebingen
Classification: Likely benign. Last evaluated: 2025-07-01. Review status: criteria provided, single submitter. Criteria: CeGaT Center For Human Genetics Tuebingen Variant Classification Criteria Version 2. Collection method: clinical testing. Allele origin: germline. Affected: yes. Observed: 1 variant allele.
Comment: FOXP2: BP4, BS1

Ambry Genetics
Classification: Likely benign for Inborn genetic diseases. Last evaluated: 2020-08-07. Review status: criteria provided, single submitter. Criteria: Ambry Variant Classification Scheme 2023. Collection method: clinical testing. Allele origin: germline.

Illumina Laboratory Services, Illumina
Classification: Likely benign for Childhood apraxia of speech. Last evaluated: 2018-03-06. Review status: criteria provided, single submitter. Criteria: ICSL Variant Classification Criteria 13 December 2019. Collection method: clinical testing. Allele origin: germline.
Comment: This variant was observed in the ICSL laboratory as part of a predisposition screen in an ostensibly healthy population. It had not been previously curated by ICSL or reported in the Human Gene Mutation Database (HGMD: prior to June 1st, 2018), and was therefore a candidate for classification through an automated scoring system. Utilizing variant allele frequency, disease prevalence and penetrance estimates, and inheritance mode, an automated score was calculated to assess if this variant is too frequent to cause the disease. Based on the score and internal cut-off values, a variant classified as likely benign is not then subjected to further curation. The score for this variant resulted in a classification of likely benign for this disease.

NM_014491.4(FOXP2):c.1569G>A (p.Arg523=)

Gene: FOXP2 (forkhead box P2; plus strand). Cytogenetic location: 7q31.1.
Variant type: single nucleotide variant.
Coding change: c.1569G>A on transcript NM_014491.4 (MANE Select); coding-DNA position 1569, G replaced by A.
Protein change: p.Arg523=; no amino-acid change (arginine 523 retained).
Molecular consequence: synonymous variant. On other transcripts: non-coding transcript variant (2).
Genome position (GRCh38, 1-based): chr7:114,659,595, G>A. VCF-style: chr7-114659595-G-A. GRCh37 (hg19) VCF-style: chr7-114299650-G-A.
Other names: c.1566G>A, p.Arg522= (NM_001172766.3); c.1644G>A, p.Arg548= (NM_148898.4); c.1620G>A, p.Arg540= (NM_148900.4).
Identifiers: ClinVar variation 910629 (VCV000910629.14), dbSNP rs376776032, ClinGen allele CA4446141.